The following is an entry in ClinVar:

ClinVar aggregate classification (germline): Likely pathogenic (1 of 4 stars; one submission).

Conditions:
Fabry disease. Also called: ALPHA-GALACTOSIDASE A DEFICIENCY; ANDERSON-FABRY DISEASE; CERAMIDE TRIHEXOSIDASE DEFICIENCY; GLA DEFICIENCY; HEREDITARY DYSTOPIC LIPIDOSIS; Angiokeratoma corporis diffusum. Identifiers: Orphanet 324, MedGen C0002986, MONDO:0010526, OMIM 301500, HP:0001071. Disease mechanism: Fabry disease is due to inactivating mutations in the X-linked GLA gene resulting in deficiency of the enzyme Alpha Galactosidase-A., loss of function.

Submission:

Genomenon, Inc
Classification: Likely pathogenic for Fabry disease. Last evaluated: 2026-09-08. Review status: criteria provided, single submitter. Criteria: Genomenon Sequence Variant Interpretation Standards - Updated. Collection method: curation. Allele origin: germline. Affected: yes.
Comment: GLA p.Thr412Pro (c.1234A>C) is a missense variant that changes the amino acid at codon 412 from Threonine to Proline. This variant has been observed in at least one proband with clinical features consistent with Fabry disease (PMID:38308295). The presence of pathogenic/likely pathogenic missense variant(s) at the same amino acid position indicates that this residue is likely important for protein function. It is absent or not present at a significant frequency in gnomAD. In silico models predict that this variant is possibly or probably damaging. In conclusion, we classify GLA p.Thr412Pro (c.1234A>C) as a likely pathogenic variant.

Literature cited by the submitters: PubMed 38308295.

NM_000169.3(GLA):c.1234A>C (p.Thr412Pro)

Genes: GLA (galactosidase alpha; minus strand), RPL36A-HNRNPH2 (RPL36A-HNRNPH2 readthrough; plus strand). Cytogenetic location: Xq22.1.
Variant type: single nucleotide variant.
Coding change: c.1234A>C on transcript NM_000169.3 (MANE Select); coding-DNA position 1234, A replaced by C.
Protein change: p.Thr412Pro; replaces threonine 412 with proline.
Molecular consequence: missense variant. On other transcripts: non-coding transcript variant (3), intron variant (2).
Genome position (GRCh38, 1-based): chrX:101,397,865, T>G on the plus strand (A>C on the coding strand, the complement: GLA is on the minus strand). VCF-style: chrX-101397865-T-G. GRCh37 (hg19) VCF-style: chrX-100652853-T-G.
Other names: c.1357A>C, p.Thr453Pro (NM_001406747.1); c.300+2408T>G (NM_001199973.2); c.177+6043T>G (NM_001199974.2); short protein forms T412P, T453P.
Identifiers: ClinVar variation 4087671 (VCV004087671.2).